The following is an entry in ClinVar:

NM_002408.4(MGAT2):c.91C>T (p.Gln31Ter)

Gene: MGAT2 (alpha-1,6-mannosyl-glycoprotein 2-beta-N-acetylglucosaminyltransferase; plus strand). Cytogenetic location: 14q21.3.
Variant type: single nucleotide variant.
Coding change: c.91C>T on transcript NM_002408.4 (MANE Select); coding-DNA position 91, C replaced by T.
Protein change: p.Gln31Ter; replaces glutamine 31 with a stop codon.
Molecular consequence: nonsense.
Genome position (GRCh38, 1-based): chr14:49,621,359, C>T. VCF-style: chr14-49621359-C-T. GRCh37 (hg19) VCF-style: chr14-50088077-C-T.
Other names: short protein forms Q31*.
Identifiers: ClinVar variation 617658 (VCV000617658.1), dbSNP rs1310787426, ClinGen allele CA389617256.

ClinVar aggregate classification (germline): Pathogenic (0 of 4 stars; one submission).

Conditions:
MGAT2-congenital disorder of glycosylation. Also called: MGAT2-CDG; Congenital disorder of glycosylation, type IIa; MENTAL RETARDATION, GROWTH RETARDATION, PROMINENT COLUMELLA, AND OPEN MOUTH; Alkuraya syndrome; CDG IIa. Identifiers: Orphanet 79329, MedGen C2931008, MONDO:0008908, OMIM 212066.

Allele frequency attached by ClinVar (database versions not stated): gnomAD exomes below 0.00001 and 0.00001; TOPMed below 0.00001; gnomAD 0.00001.
gnomAD v4.1: 6 of 1,612,052 alleles (0.00037%); highest among the groups gnomAD compares: Non-Finnish European, 0.00042%; no homozygotes.

Submission:

Lab Thiel (Congenital Disorders of Glycosylation), Center for Child and Adolescent Medicine
Classification: Pathogenic for MGAT2-congenital disorder of glycosylation. Review status: no assertion criteria provided. Collection method: research. Allele origin: germline. Inheritance: Autosomal recessive inheritance. Affected: yes. Observed: 1 compound heterozygote.
Comment: The variant is absent from large Population studies. In summary, the p.Q31* variant meets our criteria to be classified as pathogenic.